The following is an entry in ClinVar:

ClinVar aggregate classification (germline): Uncertain significance (1 of 4 stars; one submission).

Conditions:
Inborn genetic diseases. Identifiers: MedGen C0950123, MeSH D030342.

Allele frequency attached by ClinVar (database versions not stated): gnomAD exomes below 0.00001.

Submission:

Ambry Genetics
Classification: Uncertain significance for Inborn genetic diseases. Last evaluated: 2022-09-15. Review status: criteria provided, single submitter. Criteria: Ambry Variant Classification Scheme 2023. Collection method: clinical testing. Allele origin: germline.
Comment: The p.L140V variant (also known as c.418C>G), located in coding exon 4 of the RAD51 gene, results from a C to G substitution at nucleotide position 418. The leucine at codon 140 is replaced by valine, an amino acid with highly similar properties. This amino acid position is conserved. In addition, the in silico prediction for this alteration is inconclusive. Since supporting evidence is limited at this time, the clinical significance of this alteration remains unclear.

NM_002875.5(RAD51):c.418C>G (p.Leu140Val)

Gene: RAD51 (RAD51 recombinase; plus strand). Cytogenetic location: 15q15.1.
Variant type: single nucleotide variant.
Coding change: c.418C>G on transcript NM_002875.5 (MANE Select); coding-DNA position 418, C replaced by G.
Protein change: p.Leu140Val; replaces leucine 140 with valine.
Molecular consequence: missense variant.
Genome position (GRCh38, 1-based): chr15:40,709,099, C>G. VCF-style: chr15-40709099-C-G. GRCh37 (hg19) VCF-style: chr15-41001297-C-G.
Other names: c.421C>G, p.Leu141Val (NM_001164269.2, NM_133487.4); c.418C>G, p.Leu140Val (NM_001164270.2); short protein forms L140V, L141V.
Identifiers: ClinVar variation 1738558 (VCV001738558.2), dbSNP rs2141836564, ClinGen allele CA391751299.